The following is an entry in ClinVar:

ClinVar aggregate classification (germline): Uncertain significance. Review status: criteria provided, multiple submitters, no conflicts (2 of 4 stars). 2 submissions from 2 submitters: Uncertain significance (2). Last evaluated 2023-09-14.

Conditions:
Alstrom syndrome (ALMS). Identifiers: Orphanet 64, MedGen C0268425, MONDO:0008763, OMIM 203800.

gnomAD v4.1: 1 of 1,613,962 alleles (0.000062%); no homozygotes.

Submissions (2):

Blueprint Genetics
Classification: Uncertain significance. Last evaluated: 2023-09-14. Review status: criteria provided, single submitter. Criteria: ACMG Guidelines, 2015. Collection method: clinical testing. Allele origin: germline.

Labcorp Genetics (formerly Invitae), Labcorp
Classification: Uncertain significance for Alstrom syndrome. Last evaluated: 2022-06-09. Review status: criteria provided, single submitter. Criteria: Invitae Variant Classification Sherloc (09022015). Collection method: clinical testing. Allele origin: germline.
Comment: Experimental studies and prediction algorithms are not available or were not evaluated, and the functional significance of this variant is currently unknown. In summary, the available evidence is currently insufficient to determine the role of this variant in disease. Therefore, it has been classified as a Variant of Uncertain Significance. This variant has not been reported in the literature in individuals affected with ALMS1-related conditions. This variant is not present in population databases (gnomAD no frequency). This sequence change replaces histidine, which is basic and polar, with arginine, which is basic and polar, at codon 3523 of the ALMS1 protein (p.His3523Arg).

NM_001378454.1(ALMS1):c.10565A>G (p.His3522Arg)

Gene: ALMS1 (ALMS1 centrosome and basal body associated protein; plus strand). Cytogenetic location: 2p13.1.
Variant type: single nucleotide variant.
Coding change: c.10565A>G on transcript NM_001378454.1 (MANE Select); coding-DNA position 10565, A replaced by G.
Protein change: p.His3522Arg; replaces histidine 3522 with arginine.
Molecular consequence: missense variant.
Genome position (GRCh38, 1-based): chr2:73,572,442, A>G. VCF-style: chr2-73572442-A-G. GRCh37 (hg19) VCF-style: chr2-73799569-A-G.
Other names: c.10568A>G, p.His3523Arg (NM_015120.4); short protein forms H3523R, H3522R.
Identifiers: ClinVar variation 2051652 (VCV002051652.5), dbSNP rs2466443556, ClinGen allele CA347283726.